The following is an entry in ClinVar:

ClinVar aggregate classification (germline): Uncertain significance (1 of 4 stars; one submission).

Submission:

Labcorp Genetics (formerly Invitae), Labcorp
Classification: Uncertain significance. Last evaluated: 2025-05-08. Review status: criteria provided, single submitter. Criteria: Invitae Variant Classification Sherloc (09022015). Collection method: clinical testing. Allele origin: germline.
Comment: This sequence change replaces serine, which is neutral and polar, with glycine, which is neutral and non-polar, at codon 595 of the TRIM37 protein (p.Ser595Gly). This variant is not present in population databases (gnomAD no frequency). This variant has not been reported in the literature in individuals affected with TRIM37-related conditions. Invitae Evidence Modeling of protein sequence and biophysical properties (such as structural, functional, and spatial information, amino acid conservation, physicochemical variation, residue mobility, and thermodynamic stability) indicates that this missense variant is not expected to disrupt TRIM37 protein function with a negative predictive value of 80%. In summary, the available evidence is currently insufficient to determine the role of this variant in disease. Therefore, it has been classified as a Variant of Uncertain Significance.

NM_015294.6(TRIM37):c.1783A>G (p.Ser595Gly)

Gene: TRIM37 (tripartite motif containing 37; minus strand). Cytogenetic location: 17q22.
Variant type: single nucleotide variant.
Coding change: c.1783A>G on transcript NM_015294.6 (MANE Select); coding-DNA position 1783, A replaced by G.
Protein change: p.Ser595Gly; replaces serine 595 with glycine.
Molecular consequence: missense variant. On other transcripts: non-coding transcript variant (2).
Genome position (GRCh38, 1-based): chr17:59,032,061, T>C on the plus strand (A>G on the coding strand, the complement: TRIM37 is on the minus strand). VCF-style: chr17-59032061-T-C. GRCh37 (hg19) VCF-style: chr17-57109422-T-C.
Other names: c.1783A>G, p.Ser595Gly (NM_001005207.5, NM_001320988.3, NM_001320989.3 and 1 more transcripts); c.1681A>G, p.Ser561Gly (NM_001320987.3, NM_001353082.2); c.1417A>G, p.Ser473Gly (NM_001320990.3); c.1048A>G, p.Ser350Gly (NM_001353083.2); c.1321A>G, p.Ser441Gly (NM_001353085.2); c.1732A>G, p.Ser578Gly (NM_001353086.2); short protein forms S441G, S473G, S561G, S350G, S578G, S595G.
Identifiers: ClinVar variation 4738832 (VCV004738832.1).